The following is an entry in ClinVar:

NM_004304.5(ALK):c.3938+6T>C

Gene: ALK (ALK receptor tyrosine kinase; minus strand). Cytogenetic location: 2p23.2.
Variant type: single nucleotide variant.
Coding change: c.3938+6T>C on transcript NM_004304.5 (MANE Select); 6 bases into the intron after coding-DNA position 3938, T replaced by C.
Molecular consequence: intron variant.
Genome position (GRCh38, 1-based): chr2:29,207,165, A>G on the plus strand (T>C on the coding strand, the complement: ALK is on the minus strand). VCF-style: chr2-29207165-A-G. GRCh37 (hg19) VCF-style: chr2-29430031-A-G.
Other names: c.734+6T>C (NM_001353765.2).
Identifiers: ClinVar variation 3679659 (VCV003679659.2).

ClinVar aggregate classification (germline): Uncertain significance (1 of 4 stars; one submission).

Conditions:
Neuroblastoma, susceptibility to, 3. Also called: ALK-Related Neuroblastic Tumor Susceptibility. Identifiers: Orphanet 635, MedGen C2751681, MONDO:0013083, OMIM 613014.

Submission:

Labcorp Genetics (formerly Invitae), Labcorp
Classification: Uncertain significance for Neuroblastoma, susceptibility to, 3. Last evaluated: 2024-12-04. Review status: criteria provided, single submitter. Criteria: Invitae Variant Classification Sherloc (09022015). Collection method: clinical testing. Allele origin: germline.
Comment: This sequence change falls in intron 26 of the ALK gene. It does not directly change the encoded amino acid sequence of the ALK protein. It affects a nucleotide within the consensus splice site. This variant is not present in population databases (gnomAD no frequency). This variant has not been reported in the literature in individuals affected with ALK-related conditions. Variants that disrupt the consensus splice site are a relatively common cause of aberrant splicing (PMID: 17576681, 9536098). Algorithms developed to predict the effect of sequence changes on RNA splicing suggest that this variant is not likely to affect RNA splicing. In summary, the available evidence is currently insufficient to determine the role of this variant in disease. Therefore, it has been classified as a Variant of Uncertain Significance.

Literature cited by the submitters: PubMed 17576681; PubMed 9536098.